The following is an entry in ClinVar:

NM_006904.7(PRKDC):c.8599G>A (p.Ala2867Thr)

Genes: PRKDC (protein kinase, DNA-activated, catalytic subunit; minus strand), LOC121740717 (Sharpr-MPRA regulatory region 7649; plus strand). Cytogenetic location: 8q11.21.
Variant type: single nucleotide variant.
Coding change: c.8599G>A on transcript NM_006904.7 (MANE Select); coding-DNA position 8599, G replaced by A.
Protein change: p.Ala2867Thr; replaces alanine 2867 with threonine.
Molecular consequence: missense variant.
Genome position (GRCh38, 1-based): chr8:47,826,840, C>T on the plus strand (G>A on the coding strand, the complement: PRKDC is on the minus strand). VCF-style: chr8-47826840-C-T. GRCh37 (hg19) VCF-style: chr8-48739401-C-T.
Other names: c.8599G>A, p.Ala2867Thr (NM_001081640.2); short protein forms A2867T.
Identifiers: ClinVar variation 965029 (VCV000965029.5), dbSNP rs569886407, ClinGen allele CA4739780.

ClinVar aggregate classification (germline): Uncertain significance (1 of 4 stars; one submission).

Conditions:
Severe combined immunodeficiency due to DNA-PKcs deficiency. Also called: IMMUNODEFICIENCY 26 WITH NEUROLOGIC ABNORMALITIES; Immunodeficiency 26 with or without neurologic abnormalities. Identifiers: Orphanet 317425, MedGen C4014833, MONDO:0014423, OMIM 615966.

Allele frequency attached by ClinVar (database versions not stated): TOPMed 0.00038; gnomAD exomes 0.00005; ExAC 0.00007; 1000 Genomes Project 30x 0.00016; 1000 Genomes Project 0.00020; gnomAD 0.00031.
gnomAD v4.1: 99 of 1,590,404 alleles (0.0062%); highest among the groups gnomAD compares: African/African-American, 0.12%; no homozygotes.

Submission:

Labcorp Genetics (formerly Invitae), Labcorp
Classification: Uncertain significance for Severe combined immunodeficiency due to DNA-PKcs deficiency. Last evaluated: 2025-01-20. Review status: criteria provided, single submitter. Criteria: Invitae Variant Classification Sherloc (09022015). Collection method: clinical testing. Allele origin: germline.
Comment: This sequence change replaces alanine, which is neutral and non-polar, with threonine, which is neutral and polar, at codon 2867 of the PRKDC protein (p.Ala2867Thr). This variant is present in population databases (rs569886407, gnomAD 0.1%). This variant has not been reported in the literature in individuals affected with PRKDC-related conditions. ClinVar contains an entry for this variant (Variation ID: 965029). Invitae Evidence Modeling of protein sequence and biophysical properties (such as structural, functional, and spatial information, amino acid conservation, physicochemical variation, residue mobility, and thermodynamic stability) indicates that this missense variant is not expected to disrupt PRKDC protein function with a negative predictive value of 80%. In summary, the available evidence is currently insufficient to determine the role of this variant in disease. Therefore, it has been classified as a Variant of Uncertain Significance.